The following is an entry in ClinVar:

NM_000091.5(COL4A3):c.4642T>G (p.Cys1548Gly)

Genes: COL4A3 (collagen type IV alpha 3 chain; plus strand), MFF-DT (MFF divergent transcript; minus strand). Cytogenetic location: 2q36.3.
Variant type: single nucleotide variant.
Coding change: c.4642T>G on transcript NM_000091.5 (MANE Select); coding-DNA position 4642, T replaced by G.
Protein change: p.Cys1548Gly; replaces cysteine 1548 with glycine.
Molecular consequence: missense variant.
Genome position (GRCh38, 1-based): chr2:227,309,205, T>G. VCF-style: chr2-227309205-T-G. GRCh37 (hg19) VCF-style: chr2-228173921-T-G.
Other names: short protein forms C1548G.
Identifiers: ClinVar variation 5003700 (VCV005003700.1).

ClinVar aggregate classification (germline): Uncertain significance (1 of 4 stars; one submission).

Conditions:
Alport syndrome. Also called: Hemorrhagic familial nephritis; Hemorrhagic hereditary nephritis; Congenital hereditary hematuria. Identifiers: Orphanet 63, MedGen C1567741, MONDO:0018965.

gnomAD v4.1: 3 of 1,614,160 alleles (0.00019%); highest among the groups gnomAD compares: African/African-American, 0.004%; no homozygotes.

Submission:

Myriad Genetics, Inc.
Classification: Uncertain significance for Alport syndrome. Last evaluated: 2025-09-30. Review status: criteria provided, single submitter. Criteria: Myriad Autosomal Dominant, Autosomal Recessive and X-Linked Classification Criteria (2023). Collection method: clinical testing. Allele origin: unknown.
Comment: NM_000091.4(COL4A3):c.4642T>G(C1548G) is a missense variant classified as a variant of uncertain significance in the context of Alport syndrome, COL4A3-related. C1548G has not been observed in cases with relevant disease. Relevant functional assessments of this variant are not available in the literature. C1548G has been observed in referenced population frequency databases. In summary, there is insufficient evidence to classify NM_000091.4(COL4A3):c.4642T>G(C1548G) as pathogenic or benign. Please note: this variant was assessed in the context of healthy population screening.